The following is an entry in ClinVar:

NC_000008.10:g.(?_126163393)_(126379127_?)dup

Gene: NSMCE2 (NSE2 (MMS21) homolog, SMC5-SMC6 complex SUMO ligase; plus strand). Cytogenetic location: 8q24.13.
Variant type: Duplication.
Identifiers: ClinVar variation 1448281 (VCV001448281.5).

ClinVar aggregate classification (germline): Uncertain significance (1 of 4 stars; one submission).

Submission:

Labcorp Genetics (formerly Invitae), Labcorp
Classification: Uncertain significance. Last evaluated: 2022-07-12. Review status: criteria provided, single submitter. Criteria: Invitae Variant Classification Sherloc (09022015). Collection method: clinical testing. Allele origin: germline.
Comment: In summary, the available evidence is currently insufficient to determine the role of this variant in disease. Therefore, it has been classified as a Variant of Uncertain Significance. Experimental studies and prediction algorithms are not available or were not evaluated, and the functional significance of this variant is currently unknown. This variant has not been reported in the literature in individuals affected with NSMCE2-related conditions. This variant results in a copy number gain of the genomic region encompassing exon(s) 4-8 of the NSMCE2 gene. This region includes the termination codon of the gene. This copy number gain extends beyond the assayed region for this gene and therefore may encompass additional genes. As the precise location of this event is unknown, it may be in tandem or it may be located elsewhere in the genome.